The following is an entry in ClinVar:

NM_006084.5(IRF9):c.830G>A (p.Arg277Lys)

Gene: IRF9 (interferon regulatory factor 9; plus strand). Cytogenetic location: 14q12.
Variant type: single nucleotide variant.
Coding change: c.830G>A on transcript NM_006084.5 (MANE Select); coding-DNA position 830, G replaced by A.
Protein change: p.Arg277Lys; replaces arginine 277 with lysine.
Molecular consequence: missense variant. On other transcripts: intron variant (1).
Genome position (GRCh38, 1-based): chr14:24,164,794, G>A. VCF-style: chr14-24164794-G-A. GRCh37 (hg19) VCF-style: chr14-24634003-G-A.
Other names: c.857G>A, p.Arg286Lys (NM_001385400.1, NM_001385401.1); c.650-83G>A (NM_001385402.1); short protein forms R286K, R277K.
Identifiers: ClinVar variation 2824304 (VCV002824304.3), dbSNP rs964289527, ClinGen allele CA257866202.
Genomic context (GRCh38, chr14:24,164,794, plus strand): 5'-TGCTGTTCCCCAAGCCTGGCCCACTGGAGCCCACGCAGCGCCTGCTGAGCCAGCTTGAGA[G>A]GGGCATCCTAGTGGCCAGCAACCCCCGAGGCCTCTTCGTGCAGCGCCTTTGCCCCATCCC-3'
Protein context (NP_006075.3, residues 267-287): PTQRLLSQLE[Arg277Lys]GILVASNPRG

ClinVar aggregate classification (germline): Uncertain significance (1 of 4 stars; one submission).

Allele frequency attached by ClinVar (database versions not stated): TOPMed 0.00001.

Submission:

Labcorp Genetics (formerly Invitae), Labcorp
Classification: Uncertain significance. Last evaluated: 2023-07-10. Review status: criteria provided, single submitter. Criteria: Invitae Variant Classification Sherloc (09022015). Collection method: clinical testing. Allele origin: germline.
Comment: This variant is not present in population databases (gnomAD no frequency). In summary, the available evidence is currently insufficient to determine the role of this variant in disease. Therefore, it has been classified as a Variant of Uncertain Significance. Algorithms developed to predict the effect of missense changes on protein structure and function output the following: SIFT: "Not Available"; PolyPhen-2: "Benign"; Align-GVGD: "Not Available". The lysine amino acid residue is found in multiple mammalian species, which suggests that this missense change does not adversely affect protein function. This variant has not been reported in the literature in individuals affected with IRF9-related conditions. This sequence change replaces arginine, which is basic and polar, with lysine, which is basic and polar, at codon 277 of the IRF9 protein (p.Arg277Lys).